The following is an entry in ClinVar:

NM_006766.5(KAT6A):c.1157G>A (p.Arg386Gln)

Gene: KAT6A (lysine acetyltransferase 6A; minus strand). Cytogenetic location: 8p11.21.
Variant type: single nucleotide variant.
Coding change: c.1157G>A on transcript NM_006766.5 (MANE Select); coding-DNA position 1157, G replaced by A.
Protein change: p.Arg386Gln; replaces arginine 386 with glutamine.
Molecular consequence: missense variant.
Genome position (GRCh38, 1-based): chr8:41,977,214, C>T on the plus strand (G>A on the coding strand, the complement: KAT6A is on the minus strand). VCF-style: chr8-41977214-C-T. GRCh37 (hg19) VCF-style: chr8-41834732-C-T.
Other names: c.1157G>A, p.Arg386Gln (NM_001305878.2); c.1157G>A (NM_006766.4); short protein forms R386Q.
Identifiers: ClinVar variation 588950 (VCV000588950.48), dbSNP rs140780968, ClinGen allele CA4730226.

ClinVar aggregate classification (germline): Benign/Likely benign. Review status: criteria provided, multiple submitters, no conflicts (2 of 4 stars). 6 submissions from 6 submitters: Benign (2); Likely benign (3). 1 of the submissions does not count toward it. Last evaluated 2026-01-24.

Conditions:
KAT6A-related disorder. Also called: KAT6A-related condition.
Inborn genetic diseases. Identifiers: MedGen C0950123, MeSH D030342.

Allele frequency attached by ClinVar (database versions not stated): ESP Exome Variant Server 0.00015; 1000 Genomes Project 30x 0.00016; gnomAD 0.00019 and 0.00020; 1000 Genomes Project 0.00020; ExAC 0.00021; gnomAD exomes 0.00025; TOPMed 0.00029.
gnomAD v4.1: 411 of 1,614,130 alleles (0.025%); highest among the groups gnomAD compares: Middle Eastern, 0.16%; 1 homozygote.

Submissions (6):

Labcorp Genetics (formerly Invitae), Labcorp
Classification: Likely benign. Last evaluated: 2026-01-24. Review status: criteria provided, single submitter. Criteria: Invitae Variant Classification Sherloc (09022015). Collection method: clinical testing. Allele origin: germline.

CeGaT Center for Human Genetics Tuebingen
Classification: Likely benign. Last evaluated: 2025-10-01. Review status: criteria provided, single submitter. Criteria: CeGaT Center For Human Genetics Tuebingen Variant Classification Criteria Version 2. Collection method: clinical testing. Allele origin: germline. Affected: yes. Observed: 5 variant alleles.
Comment: KAT6A: BP4, BS2

Blueprint Genetics
Classification: Likely benign. Last evaluated: 2024-11-19. Review status: criteria provided, single submitter. Criteria: ACMG Guidelines, 2015. Collection method: clinical testing. Allele origin: germline.

GeneDx
Classification: Benign. Last evaluated: 2020-02-19. Review status: criteria provided, single submitter. Criteria: GeneDx Variant Classification Process June 2021. Collection method: clinical testing. Allele origin: germline. Affected: yes.

Ambry Genetics
Classification: Benign for Inborn genetic diseases. Last evaluated: 2018-11-23. Review status: criteria provided, single submitter. Criteria: Ambry Variant Classification Scheme 2023. Collection method: clinical testing. Allele origin: germline.

PreventionGenetics, part of Exact Sciences
Classification: Likely benign for KAT6A-related condition. Last evaluated: 2023-04-20. Review status: no assertion criteria provided. Collection method: clinical testing. Allele origin: germline. Not counted in ClinVar's aggregate classification.
Comment: This variant is classified as likely benign based on ACMG/AMP sequence variant interpretation guidelines (Richards et al. 2015 PMID: 25741868, with internal and published modifications).